The following is an entry in ClinVar:

NC_000011.9:g.(?_32421484)_(32421600_?)del

Gene: WT1 (WT1 transcription factor; minus strand). Cytogenetic location: 11p13.
Variant type: Deletion.
Identifiers: ClinVar variation 1073616 (VCV001073616.9).

ClinVar aggregate classification (germline): Pathogenic (1 of 4 stars; one submission).

Conditions:
Drash syndrome (DDS). Also called: WILMS TUMOR AND PSEUDO- OR TRUE HERMAPHRODITISM; NEPHROPATHY, WILMS TUMOR, AND GENITAL ANOMALIES. Identifiers: Orphanet 220, MedGen C0950121, MONDO:0008682, OMIM 194080.
Frasier syndrome. Identifiers: Orphanet 347, MedGen C0950122, MeSH D052159, MONDO:0007635, OMIM 136680.
Wilms tumor 1 (WT1). Also called: Wilms tumor, somatic. Identifiers: Orphanet 654, MedGen CN033288, MONDO:0008679, OMIM 194070.
11p partial monosomy syndrome (WAGR). Also called: WAGR syndrome; WAGR Spectrum Disorder; CHROMOSOME 11p13 DELETION SYNDROME; WAGR Complex. Identifiers: Orphanet 893, MedGen C0206115, MONDO:0008681, OMIM 194072.

Submission:

Labcorp Genetics (formerly Invitae), Labcorp
Classification: Pathogenic for Wilms tumor 1; Drash syndrome; 11p partial monosomy syndrome; Frasier syndrome. Last evaluated: 2022-04-26. Review status: criteria provided, single submitter. Criteria: Invitae Variant Classification Sherloc (09022015). Collection method: clinical testing. Allele origin: germline.
Comment: This variant is a gross deletion of the genomic region encompassing exon(s) 6 of the WT1 gene. This deletion is out-of-frame, and is expected to create a premature termination codon and result in an absent or disrupted protein product. Loss-of-function variants in WT1 are known to be pathogenic (PMID: 15150775). This variant has not been reported in the literature in individuals affected with WT1-related conditions. For these reasons, this variant has been classified as Pathogenic.

Literature cited by the submitters: PubMed 15150775.